The following is an entry in ClinVar:

NM_052865.4(MGME1):c.941G>C (p.Cys314Ser)

Gene: MGME1 (mitochondrial genome maintenance exonuclease 1; plus strand). Cytogenetic location: 20p11.23.
Variant type: single nucleotide variant.
Coding change: c.941G>C on transcript NM_052865.4 (MANE Select); coding-DNA position 941, G replaced by C.
Protein change: p.Cys314Ser; replaces cysteine 314 with serine.
Molecular consequence: missense variant. On other transcripts: synonymous variant (1).
Genome position (GRCh38, 1-based): chr20:17,990,015, G>C. VCF-style: chr20-17990015-G-C. GRCh37 (hg19) VCF-style: chr20-17970658-G-C.
Other names: c.986G>C, p.Cys329Ser (NM_001310338.2); c.588G>C, p.Leu196= (NM_001310339.2); c.701G>C, p.Cys234Ser (NM_001363738.2); short protein forms C314S, C234S, C329S.
Identifiers: ClinVar variation 2282374 (VCV002282374.3), dbSNP rs752296675, ClinGen allele CA9775077.

ClinVar aggregate classification (germline): Uncertain significance. Review status: criteria provided, multiple submitters, no conflicts (2 of 4 stars). 2 submissions from 2 submitters: Uncertain significance (2). Last evaluated 2024-06-07.

Conditions:
Inborn genetic diseases. Identifiers: MedGen C0950123, MeSH D030342.

Allele frequency attached by ClinVar (database versions not stated): TOPMed below 0.00001; gnomAD 0.00001; ExAC 0.00002; gnomAD exomes 0.00002.
gnomAD v4.1: 28 of 1,613,992 alleles (0.0017%); highest among the groups gnomAD compares: Non-Finnish European, 0.0023%; no homozygotes.

Submissions (2):

GeneDx
Classification: Uncertain significance. Last evaluated: 2024-06-07. Review status: criteria provided, single submitter. Criteria: GeneDx Variant Classification Process June 2021. Collection method: clinical testing. Allele origin: germline. Affected: yes.
Comment: Not observed at significant frequency in large population cohorts (gnomAD); In silico analysis supports that this missense variant has a deleterious effect on protein structure/function; Has not been previously published as pathogenic or benign to our knowledge

Ambry Genetics
Classification: Uncertain significance for Inborn genetic diseases. Last evaluated: 2022-04-07. Review status: criteria provided, single submitter. Criteria: Ambry Variant Classification Scheme 2023. Collection method: clinical testing. Allele origin: germline.